The following is an entry in ClinVar:

NM_015021.3(ZNF292):c.3269C>T (p.Pro1090Leu)

Gene: ZNF292 (zinc finger protein 292; plus strand). Cytogenetic location: 6q14.3.
Variant type: single nucleotide variant.
Coding change: c.3269C>T on transcript NM_015021.3 (MANE Select); coding-DNA position 3269, C replaced by T.
Protein change: p.Pro1090Leu; replaces proline 1090 with leucine.
Molecular consequence: missense variant.
Genome position (GRCh38, 1-based): chr6:87,256,898, C>T. VCF-style: chr6-87256898-C-T. GRCh37 (hg19) VCF-style: chr6-87966616-C-T.
Other names: c.2849C>T, p.Pro950Leu (NM_001351444.2); short protein forms P1090L, P950L.
Identifiers: ClinVar variation 3900870 (VCV003900870.1).

ClinVar aggregate classification (germline): Uncertain significance (1 of 4 stars; one submission).

Submission:

GeneDx
Classification: Uncertain significance. Last evaluated: 2024-11-26. Review status: criteria provided, single submitter. Criteria: GeneDx Variant Classification Process June 2021. Collection method: clinical testing. Allele origin: germline. Affected: yes.
Comment: Has not been previously published as pathogenic or benign to our knowledge; Not observed at significant frequency in large population cohorts (gnomAD); In silico analysis indicates that this missense variant does not alter protein structure/function